The following is an entry in ClinVar:

NM_003906.5(MCM3AP):c.2482C>G (p.His828Asp)

Gene: MCM3AP (minichromosome maintenance complex component 3 associated protein; minus strand). Cytogenetic location: 21q22.3.
Variant type: single nucleotide variant.
Coding change: c.2482C>G on transcript NM_003906.5 (MANE Select); coding-DNA position 2482, C replaced by G.
Protein change: p.His828Asp; replaces histidine 828 with aspartic acid.
Molecular consequence: missense variant.
Genome position (GRCh38, 1-based): chr21:46,270,547, G>C on the plus strand (C>G on the coding strand, the complement: MCM3AP is on the minus strand). VCF-style: chr21-46270547-G-C. GRCh37 (hg19) VCF-style: chr21-47690461-G-C.
Other names: short protein forms H828D.
Identifiers: ClinVar variation 2866878 (VCV002866878.3), dbSNP rs1263241017, ClinGen allele CA410565985.

ClinVar aggregate classification (germline): Uncertain significance (1 of 4 stars; one submission).

Allele frequency attached by ClinVar (database versions not stated): gnomAD exomes below 0.00001.
gnomAD v4.1: 1 of 1,610,060 alleles (0.000062%); highest among the groups gnomAD compares: African/African-American, 0.0013%; no homozygotes.

Submission:

Labcorp Genetics (formerly Invitae), Labcorp
Classification: Uncertain significance. Last evaluated: 2023-05-22. Review status: criteria provided, single submitter. Criteria: Invitae Variant Classification Sherloc (09022015). Collection method: clinical testing. Allele origin: germline.
Comment: This sequence change replaces histidine, which is basic and polar, with aspartic acid, which is acidic and polar, at codon 828 of the MCM3AP protein (p.His828Asp). This variant is not present in population databases (gnomAD no frequency). This variant has not been reported in the literature in individuals affected with MCM3AP-related conditions. An algorithm developed to predict the effect of missense changes on protein structure and function (PolyPhen-2) suggests that this variant is likely to be tolerated. In summary, the available evidence is currently insufficient to determine the role of this variant in disease. Therefore, it has been classified as a Variant of Uncertain Significance.